The following is an entry in ClinVar:

NM_000059.4(BRCA2):c.1484C>T (p.Ala495Val)

Gene: BRCA2 (BRCA2 DNA repair associated; plus strand). Cytogenetic location: 13q13.1.
Variant type: single nucleotide variant.
Coding change: c.1484C>T on transcript NM_000059.4 (MANE Select); coding-DNA position 1484, C replaced by T.
Protein change: p.Ala495Val; replaces alanine 495 with valine.
Molecular consequence: missense variant. On other transcripts: non-coding transcript variant (1), intron variant (1).
Genome position (GRCh38, 1-based): chr13:32,332,962, C>T. VCF-style: chr13-32332962-C-T. GRCh37 (hg19) VCF-style: chr13-32907099-C-T.
Other names: c.1484C>T, p.Ala495Val (NM_001406719.1, NM_001406720.1, NM_001406721.1 and 1 more transcripts); c.424+1932C>T (NM_001406722.1); short protein forms A495V.
Identifiers: ClinVar variation 3636427 (VCV003636427.2).
Genomic context (GRCh38, chr13:32,332,962, plus strand): 5'-AATCTCATACAGACTGCATTCTTGCAGTAAAGCAGGCAATATCTGGAACTTCTCCAGTGG[C>T]TTCTTCATTTCAGGGTATCAAAAAGTCTATATTCAGAATAAGAGAATCACCTAAAGAGAC-3'
Protein context (NP_000050.3, residues 485-505): KQAISGTSPV[Ala495Val]SSFQGIKKSI

ClinVar aggregate classification (germline): Uncertain significance (1 of 4 stars; one submission).

Conditions:
Hereditary breast ovarian cancer syndrome. Also called: Hereditary breast and ovarian cancer syndrome; Hereditary breast and ovarian cancer syndrome (HBOC); BRCA1- and BRCA2-Associated Hereditary Breast and Ovarian Cancer; Hereditary breast and ovarian cancer; Breast and ovarian cancer; Hereditary breast and/or ovarian cancer syndrome. Identifiers: Orphanet 145, MedGen C0677776, MeSH D061325, MONDO:0003582. Disease mechanism: loss of function.

Submission:

Labcorp Genetics (formerly Invitae), Labcorp
Classification: Uncertain significance for Hereditary breast ovarian cancer syndrome. Last evaluated: 2024-03-08. Review status: criteria provided, single submitter. Criteria: Invitae Variant Classification Sherloc (09022015). Collection method: clinical testing. Allele origin: germline.
Comment: This sequence change replaces alanine, which is neutral and non-polar, with valine, which is neutral and non-polar, at codon 495 of the BRCA2 protein (p.Ala495Val). This variant is not present in population databases (gnomAD no frequency). This variant has not been reported in the literature in individuals affected with BRCA2-related conditions. Advanced modeling of protein sequence and biophysical properties (such as structural, functional, and spatial information, amino acid conservation, physicochemical variation, residue mobility, and thermodynamic stability) performed at Invitae indicates that this missense variant is not expected to disrupt BRCA2 protein function with a negative predictive value of 95%. In summary, the available evidence is currently insufficient to determine the role of this variant in disease. Therefore, it has been classified as a Variant of Uncertain Significance.